The following is an entry in ClinVar:

NM_006648.4(WNK2):c.304G>C (p.Val102Leu)

Gene: WNK2 (WNK lysine deficient protein kinase 2; plus strand). Cytogenetic location: 9q22.31.
Variant type: single nucleotide variant.
Coding change: c.304G>C on transcript NM_006648.4 (MANE Select); coding-DNA position 304, G replaced by C.
Protein change: p.Val102Leu; replaces valine 102 with leucine.
Molecular consequence: missense variant.
Genome position (GRCh38, 1-based): chr9:93,185,233, G>C. VCF-style: chr9-93185233-G-C. GRCh37 (hg19) VCF-style: chr9-95947515-G-C.
Other names: c.304G>C, p.Val102Leu (NM_001282394.3); short protein forms V102L.
Identifiers: ClinVar variation 4201774 (VCV004201774.1).

ClinVar aggregate classification (germline): Uncertain significance (1 of 4 stars; one submission).

Submission:

Ambry Genetics
Classification: Uncertain significance. Last evaluated: 2025-08-20. Review status: criteria provided, single submitter. Criteria: Ambry Variant Classification Scheme 2023. Collection method: clinical testing. Allele origin: germline.
Comment: The p.V102L variant (also known as c.304G>C), located in coding exon 1 of the WNK2 gene, results from a G to C substitution at nucleotide position 304. The valine at codon 102 is replaced by leucine, an amino acid with highly similar properties. This amino acid position is conserved. In addition, this alteration is predicted to be tolerated by in silico analysis. Based on the available evidence, the clinical significance of this variant remains unclear.